The following is an entry in ClinVar:

ClinVar aggregate classification (germline): Uncertain significance (1 of 4 stars; one submission).

Conditions:
Developmental and epileptic encephalopathy, 53. Also called: Epileptic encephalopathy, early infantile, 53. Identifiers: MedGen C4479313, MONDO:0033362, OMIM 617389.
Early-onset Parkinson disease 20. Also called: PARKINSON DISEASE 20, AUTOSOMAL RECESSIVE EARLY-ONSET. Identifiers: Orphanet 391411, MedGen C3809824, MONDO:0014233, OMIM 615530.

Submission:

Labcorp Genetics (formerly Invitae), Labcorp
Classification: Uncertain significance for Developmental and epileptic encephalopathy, 53; Early-onset Parkinson disease 20. Last evaluated: 2024-04-22. Review status: criteria provided, single submitter. Criteria: Invitae Variant Classification Sherloc (09022015). Collection method: clinical testing. Allele origin: germline.
Comment: This sequence change replaces threonine, which is neutral and polar, with proline, which is neutral and non-polar, at codon 1269 of the SYNJ1 protein (p.Thr1269Pro). This variant is not present in population databases (gnomAD no frequency). This variant has not been reported in the literature in individuals affected with SYNJ1-related conditions. ClinVar contains an entry for this variant (Variation ID: 1040229). Advanced modeling of protein sequence and biophysical properties (such as structural, functional, and spatial information, amino acid conservation, physicochemical variation, residue mobility, and thermodynamic stability) performed at Invitae indicates that this missense variant is not expected to disrupt SYNJ1 protein function with a negative predictive value of 80%. In summary, the available evidence is currently insufficient to determine the role of this variant in disease. Therefore, it has been classified as a Variant of Uncertain Significance.

NM_203446.3(SYNJ1):c.3688A>C (p.Thr1230Pro)

Gene: SYNJ1 (synaptojanin 1; minus strand). Cytogenetic location: 21q22.11.
Variant type: single nucleotide variant.
Coding change: c.3688A>C on transcript NM_203446.3 (MANE Select); coding-DNA position 3688, A replaced by C.
Protein change: p.Thr1230Pro; replaces threonine 1230 with proline.
Molecular consequence: missense variant.
Genome position (GRCh38, 1-based): chr21:32,639,680, T>G on the plus strand (A>C on the coding strand, the complement: SYNJ1 is on the minus strand). VCF-style: chr21-32639680-T-G. GRCh37 (hg19) VCF-style: chr21-34011990-T-G.
Other names: c.3640A>C, p.Thr1214Pro (NM_001160302.2); c.3547A>C, p.Thr1183Pro (NM_001160306.2); c.3805A>C, p.Thr1269Pro (NM_003895.4); short protein forms T1214P, T1230P, T1183P, T1269P.
Identifiers: ClinVar variation 1040229 (VCV001040229.9), dbSNP rs2039743427, ClinGen allele CA410087585.